The following is an entry in ClinVar:

ClinVar aggregate classification (germline): Uncertain significance (1 of 4 stars; one submission).

Submission:

GeneDx
Classification: Uncertain significance. Last evaluated: 2019-11-21. Review status: criteria provided, single submitter. Criteria: GeneDx Variant Classification Process June 2021. Collection method: clinical testing. Allele origin: germline. Affected: yes.
Comment: Not observed in large population cohorts (Lek et al., 2016); In silico analysis, which includes protein predictors and evolutionary conservation, supports a deleterious effect; Has not been previously published as pathogenic or benign to our knowledge

NM_003070.5(SMARCA2):c.1226C>G (p.Ala409Gly)

Gene: SMARCA2 (SWI/SNF related, matrix associated, actin dependent regulator of chromatin, subfamily a, member 2; plus strand). Cytogenetic location: 9p24.3.
Variant type: single nucleotide variant.
Coding change: c.1226C>G on transcript NM_003070.5 (MANE Select); coding-DNA position 1226, C replaced by G.
Protein change: p.Ala409Gly; replaces alanine 409 with glycine.
Molecular consequence: missense variant.
Genome position (GRCh38, 1-based): chr9:2,056,724, C>G. VCF-style: chr9-2056724-C-G. GRCh37 (hg19) VCF-style: chr9-2056724-C-G.
Other names: c.1226C>G, p.Ala409Gly (NM_001289396.2, NM_001289397.2, NM_139045.4); short protein forms A409G.
Identifiers: ClinVar variation 1310623 (VCV001310623.2), dbSNP rs2130344304, ClinGen allele CA372781644.